The following is an entry in ClinVar:

ClinVar aggregate classification (germline): Uncertain significance. Review status: criteria provided, multiple submitters, no conflicts (2 of 4 stars). 3 submissions from 3 submitters: Uncertain significance (3). Last evaluated 2026-07-10.

Conditions:
DIAPH1-related disorder. Also called: DIAPH1-related condition.
Autosomal dominant nonsyndromic hearing loss 1. Also called: DEAFNESS, AUTOSOMAL DOMINANT 1, WITH OR WITHOUT THROMBOCYTOPENIA; KONIGSMARK SYNDROME. Identifiers: Orphanet 90635, MedGen C1852282, MONDO:0007424, OMIM 124900.
Progressive microcephaly-seizures-cortical blindness-developmental delay syndrome. Also called: Seizures, cortical blindness, and microcephaly syndrome. Identifiers: Orphanet 477814, MedGen C5567650, MONDO:0014714, OMIM 616632.
Inborn genetic diseases. Identifiers: MedGen C0950123, MeSH D030342.

Allele frequency attached by ClinVar (database versions not stated): gnomAD exomes 0.00001 and 0.00003; gnomAD 0.00002; ExAC 0.00004.
gnomAD v4.1: 37 of 1,255,198 alleles (0.0029%); highest among the groups gnomAD compares: Non-Finnish European, 0.0039%; no homozygotes.

Submissions (3):

PreventionGenetics, part of Exact Sciences
Classification: Uncertain significance for DIAPH1-related condition. Last evaluated: 2026-07-10. Review status: criteria provided, single submitter. Criteria: ACMG Guidelines, 2015. Collection method: clinical testing. Allele origin: germline.
Comment: The DIAPH1 c.2063C>T variant is predicted to result in the amino acid substitution p.Pro688Leu. To our knowledge, this variant has not been reported in the literature. This variant is reported in 0.0039% of alleles in individuals of European (Non-Finnish) descent in gnomAD. At this time, the clinical significance of this variant is uncertain due to the absence of conclusive functional and genetic evidence.

Ambry Genetics
Classification: Uncertain significance for Inborn genetic diseases. Last evaluated: 2025-10-15. Review status: criteria provided, single submitter. Criteria: Ambry Variant Classification Scheme 2023. Collection method: clinical testing. Allele origin: germline.

Labcorp Genetics (formerly Invitae), Labcorp
Classification: Uncertain significance for Progressive microcephaly-seizures-cortical blindness-developmental delay syndrome; Autosomal dominant nonsyndromic hearing loss 1. Last evaluated: 2025-06-29. Review status: criteria provided, single submitter. Criteria: Invitae Variant Classification Sherloc (09022015). Collection method: clinical testing. Allele origin: germline.
Comment: This sequence change replaces proline, which is neutral and non-polar, with leucine, which is neutral and non-polar, at codon 688 of the DIAPH1 protein (p.Pro688Leu). The frequency data for this variant in the population databases is considered unreliable, as metrics indicate poor data quality at this position in the gnomAD database. This variant has not been reported in the literature in individuals affected with DIAPH1-related conditions. ClinVar contains an entry for this variant (Variation ID: 1010362). Experimental studies and prediction algorithms are not available or were not evaluated, and the functional significance of this variant is currently unknown. In summary, the available evidence is currently insufficient to determine the role of this variant in disease. Therefore, it has been classified as a Variant of Uncertain Significance.

NM_005219.5(DIAPH1):c.2063C>T (p.Pro688Leu)

Gene: DIAPH1 (diaphanous related formin 1; minus strand). Cytogenetic location: 5q31.3.
Variant type: single nucleotide variant.
Coding change: c.2063C>T on transcript NM_005219.5 (MANE Select); coding-DNA position 2063, C replaced by T.
Protein change: p.Pro688Leu; replaces proline 688 with leucine.
Molecular consequence: missense variant.
Genome position (GRCh38, 1-based): chr5:141,573,787, G>A on the plus strand (C>T on the coding strand, the complement: DIAPH1 is on the minus strand). VCF-style: chr5-141573787-G-A. GRCh37 (hg19) VCF-style: chr5-140953354-G-A.
Other names: c.2036C>T, p.Pro679Leu (NM_001079812.3); c.2063C>T, p.Pro688Leu (NM_001314007.2); c.2063C>T (NM_005219.4); short protein forms P679L, P688L.
Identifiers: ClinVar variation 1010362 (VCV001010362.9), dbSNP rs775146972, ClinGen allele CA3479170.